The following is an entry in ClinVar:

NM_001375524.1(TRRAP):c.4312C>T (p.Arg1438Trp)

Gene: TRRAP (transformation/transcription domain associated protein; plus strand). Cytogenetic location: 7q22.1.
Variant type: single nucleotide variant.
Coding change: c.4312C>T on transcript NM_001375524.1 (MANE Select); coding-DNA position 4312, C replaced by T.
Protein change: p.Arg1438Trp; replaces arginine 1438 with tryptophan.
Molecular consequence: missense variant.
Genome position (GRCh38, 1-based): chr7:98,937,728, C>T. VCF-style: chr7-98937728-C-T. GRCh37 (hg19) VCF-style: chr7-98535351-C-T.
Other names: c.4312C>T, p.Arg1438Trp (NM_001244580.2, NM_003496.4); c.4312C>T (NM_003496.3); short protein forms R1438W.
Identifiers: ClinVar variation 2870213 (VCV002870213.4), dbSNP rs1790619243, ClinGen allele CA368307807.
Genomic context (GRCh38, chr7:98,937,728, plus strand): 5'-ATAGAAGTCGATCAAATCCACACACATATGCGACCTTTGCTGATGATGCTGGGAGATTAC[C>T]GGAGCTTGACGCTGAATGTTGTGAATCGCCTGACTTCGGTCACGAGGCTCTTCCCAAATT-3'
Protein context (NP_001362453.1, residues 1428-1448): RPLLMMLGDY[Arg1438Trp]SLTLNVVNRL

ClinVar aggregate classification (germline): Conflicting classifications of pathogenicity. Review status: criteria provided, conflicting classifications (1 of 4 stars). 2 submissions from 2 submitters: Pathogenic (1); Uncertain significance (1). Last evaluated 2024-05-22.

Allele frequency attached by ClinVar (database versions not stated): gnomAD exomes below 0.00001.
gnomAD v4.1: 2 of 1,614,008 alleles (0.00012%); highest among the groups gnomAD compares: Non-Finnish European, 0.00017%; no homozygotes.

Submissions (2):

GeneDx
Classification: Uncertain significance. Last evaluated: 2024-05-22. Review status: criteria provided, single submitter. Criteria: GeneDx Variant Classification Process June 2021. Collection method: clinical testing. Allele origin: germline. Affected: yes.
Comment: Not observed at significant frequency in large population cohorts (gnomAD); In silico analysis supports that this missense variant has a deleterious effect on protein structure/function; Has not been previously published as pathogenic or benign to our knowledge

Labcorp Genetics (formerly Invitae), Labcorp
Classification: Pathogenic. Last evaluated: 2023-11-22. Review status: criteria provided, single submitter. Criteria: Invitae Variant Classification Sherloc (09022015). Collection method: clinical testing. Allele origin: germline.
Comment: This sequence change replaces arginine, which is basic and polar, with tryptophan, which is neutral and slightly polar, at codon 1438 of the TRRAP protein (p.Arg1438Trp). This variant is not present in population databases (gnomAD no frequency). This missense change has been observed in individual(s) with TRRAP-related conditions (Invitae). In at least one individual the variant was observed to be de novo. Advanced modeling of protein sequence and biophysical properties (such as structural, functional, and spatial information, amino acid conservation, physicochemical variation, residue mobility, and thermodynamic stability) performed at Invitae indicates that this missense variant is expected to disrupt TRRAP protein function with a positive predictive value of 80%. For these reasons, this variant has been classified as Pathogenic.